The following is an entry in ClinVar:

NM_174936.4(PCSK9):c.5G>A (p.Gly2Asp)

Gene: PCSK9 (proprotein convertase subtilisin/kexin type 9; plus strand). Cytogenetic location: 1p32.3.
Variant type: single nucleotide variant.
Coding change: c.5G>A on transcript NM_174936.4 (MANE Select); coding-DNA position 5, G replaced by A.
Protein change: p.Gly2Asp; replaces glycine 2 with aspartic acid.
Molecular consequence: missense variant. On other transcripts: 5 prime UTR variant (1), non-coding transcript variant (8).
Genome position (GRCh38, 1-based): chr1:55,039,842, G>A. VCF-style: chr1-55039842-G-A. GRCh37 (hg19) VCF-style: chr1-55505515-G-A.
Other names: c.5G>A, p.Gly2Asp (NM_001407240.1, NM_001407241.1, NM_001407242.1 and 4 more transcripts); c.-730G>A (NM_001407246.1); short protein forms G2D.
Identifiers: ClinVar variation 3069450 (VCV003069450.1), dbSNP rs1018576699, ClinGen allele CA22791777.

ClinVar aggregate classification (germline): Uncertain significance (1 of 4 stars; one submission).

Conditions:
Hypercholesterolemia, autosomal dominant, 3 (FHCL3). Also called: PCSK9-Related Familial Hypercholesterolemia, Autosomal Dominant; Familial Hypercholesterolemia, Autosomal Dominant, 3; Familial hypercholesterolemia 3. Identifiers: MedGen C1863551, MONDO:0011369, OMIM 603776.

Allele frequency attached by ClinVar (database versions not stated): gnomAD 0.00001.
gnomAD v4.1: 4 of 1,565,888 alleles (0.00026%); highest among the groups gnomAD compares: South Asian, 0.0035%; no homozygotes.

Submission:

All of Us Research Program, National Institutes of Health
Classification: Uncertain significance for Hypercholesterolemia, autosomal dominant, 3. Last evaluated: 2023-03-04. Review status: criteria provided, single submitter. Criteria: ACMG Guidelines, 2015. Collection method: clinical testing. Allele origin: germline. Inheritance: Autosomal dominant inheritance. Observed: 1 variant allele, 1 heterozygote.
Comment: This study involves interpretation of variants in research participants for the purpose of population health screening. Participant phenotype was not available at the time of variant classification. Additional details can be found in publication PMID: 35346344, PMCID: PMC8962531